The following is an entry in ClinVar:

ClinVar aggregate classification (germline): Likely benign. Review status: criteria provided, single submitter (1 of 4 stars). 2 submissions from 2 submitters: Likely benign (1). 1 of the submissions does not count toward it. Last evaluated 2025-02-11.

Conditions:
TRPC6-related disorder. Also called: TRPC6-related condition.

Allele frequency attached by ClinVar (database versions not stated): gnomAD exomes 0.00001; ExAC 0.00003; gnomAD 0.00009; TOPMed 0.00009; ESP Exome Variant Server 0.00015.
gnomAD v4.1: 37 of 1,613,986 alleles (0.0023%); highest among the groups gnomAD compares: African/African-American, 0.037%; no homozygotes.

Submissions (2):

Labcorp Genetics (formerly Invitae), Labcorp
Classification: Likely benign. Last evaluated: 2025-02-11. Review status: criteria provided, single submitter. Criteria: Invitae Variant Classification Sherloc (09022015). Collection method: clinical testing. Allele origin: germline.

PreventionGenetics, part of Exact Sciences
Classification: Likely benign for TRPC6-related condition. Last evaluated: 2024-02-20. Review status: no assertion criteria provided. Collection method: clinical testing. Allele origin: germline. Not counted in ClinVar's aggregate classification.
Comment: This variant is classified as likely benign based on ACMG/AMP sequence variant interpretation guidelines (Richards et al. 2015 PMID: 25741868, with internal and published modifications).

NM_004621.6(TRPC6):c.477T>C (p.Ser159=)

Gene: TRPC6 (transient receptor potential cation channel subfamily C member 6; minus strand). Cytogenetic location: 11q22.1.
Variant type: single nucleotide variant.
Coding change: c.477T>C on transcript NM_004621.6 (MANE Select); coding-DNA position 477, T replaced by C.
Protein change: p.Ser159=; no amino-acid change (serine 159 retained).
Molecular consequence: synonymous variant.
Genome position (GRCh38, 1-based): chr11:101,504,492, A>G on the plus strand (T>C on the coding strand, the complement: TRPC6 is on the minus strand). VCF-style: chr11-101504492-A-G. GRCh37 (hg19) VCF-style: chr11-101375223-A-G.
Identifiers: ClinVar variation 3040427 (VCV003040427.3), dbSNP rs149152923, ClinGen allele CA6244520.